The following is an entry in ClinVar:

NM_013275.6(ANKRD11):c.7061C>T (p.Pro2354Leu)

Gene: ANKRD11 (ankyrin repeat domain 11; minus strand). Cytogenetic location: 16q24.3.
Variant type: single nucleotide variant.
Coding change: c.7061C>T on transcript NM_013275.6 (MANE Select); coding-DNA position 7061, C replaced by T.
Protein change: p.Pro2354Leu; replaces proline 2354 with leucine.
Molecular consequence: missense variant.
Genome position (GRCh38, 1-based): chr16:89,279,481, G>A on the plus strand (C>T on the coding strand, the complement: ANKRD11 is on the minus strand). VCF-style: chr16-89279481-G-A. GRCh37 (hg19) VCF-style: chr16-89345889-G-A.
Other names: c.7061C>T, p.Pro2354Leu (NM_001256182.2, NM_001256183.2); short protein forms P2354L.
Identifiers: ClinVar variation 1955983 (VCV001955983.5), dbSNP rs749176560, ClinGen allele CA397149412.
Genomic context (GRCh38, chr16:89,279,481, plus strand): 5'-GAGCCGCGGGCCTTGGCCCTGGTGACCGGGGCAGGGGTGGGGGCGCACTCCTTCTCGGAG[G>A]GGGGCGGGCCCTGCTTGCTCTGGTTCGCGAGCATCTGCGCCCGGTTCCTGGTCATGCGCT-3'
Protein context (NP_037407.4, residues 2344-2364): LANQSKQGPP[Pro2354Leu]SEKECAPTPA

ClinVar aggregate classification (germline): Uncertain significance (1 of 4 stars; one submission).

Conditions:
KBG syndrome (KBGS). Also called: ANKRD11-Related KBG Syndrome. Identifiers: Orphanet 2332, MedGen C0220687, MONDO:0007846, OMIM 148050.

gnomAD v4.1: 39 of 1,370,804 alleles (0.0028%); highest among the groups gnomAD compares: Admixed American, 0.0042%; no homozygotes.

Submission:

Labcorp Genetics (formerly Invitae), Labcorp
Classification: Uncertain significance for KBG syndrome. Last evaluated: 2022-09-01. Review status: criteria provided, single submitter. Criteria: Invitae Variant Classification Sherloc (09022015). Collection method: clinical testing. Allele origin: germline.
Comment: This variant has not been reported in the literature in individuals affected with ANKRD11-related conditions. Advanced modeling of protein sequence and biophysical properties (such as structural, functional, and spatial information, amino acid conservation, physicochemical variation, residue mobility, and thermodynamic stability) performed at Invitae indicates that this missense variant is not expected to disrupt ANKRD11 protein function. In summary, the available evidence is currently insufficient to determine the role of this variant in disease. Therefore, it has been classified as a Variant of Uncertain Significance. This variant is present in population databases (no rsID available, gnomAD 0.01%). This sequence change replaces proline, which is neutral and non-polar, with leucine, which is neutral and non-polar, at codon 2354 of the ANKRD11 protein (p.Pro2354Leu).